The following is an entry in ClinVar:

NM_000059.4(BRCA2):c.4044T>C (p.Cys1348=)

Gene: BRCA2 (BRCA2 DNA repair associated; plus strand). Cytogenetic location: 13q13.1.
Variant type: single nucleotide variant.
Coding change: c.4044T>C on transcript NM_000059.4 (MANE Select); coding-DNA position 4044, T replaced by C.
Protein change: p.Cys1348=; no amino-acid change (cysteine 1348 retained).
Molecular consequence: synonymous variant.
Genome position (GRCh38, 1-based): chr13:32,338,399, T>C. VCF-style: chr13-32338399-T-C. GRCh37 (hg19) VCF-style: chr13-32912536-T-C.
Identifiers: ClinVar variation 427490 (VCV000427490.13), dbSNP rs770199777, ClinGen allele CA6940742.

ClinVar aggregate classification (germline): Likely benign. Review status: reviewed by expert panel (3 of 4 stars). 3 submissions from 3 submitters: Likely benign (1). 2 of the submissions do not count toward it. Last evaluated 2017-06-29.

Conditions:
Hereditary cancer-predisposing syndrome. Also called: Hereditary neoplastic syndrome; Hereditary Cancer Syndrome; Neoplastic Syndromes, Hereditary; Tumor predisposition. Identifiers: Orphanet 140162, MedGen C0027672, MeSH D009386, MONDO:0015356.
Hereditary breast ovarian cancer syndrome. Also called: Hereditary breast and ovarian cancer syndrome; BRCA1- and BRCA2-Associated Hereditary Breast and Ovarian Cancer; Hereditary breast and/or ovarian cancer syndrome; Hereditary breast and ovarian cancer; Breast and ovarian cancer; Hereditary breast and ovarian cancer syndrome (HBOC). Identifiers: Orphanet 145, MedGen C0677776, MeSH D061325, MONDO:0003582. Disease mechanism: loss of function.
Breast-ovarian cancer, familial, susceptibility to, 2 (BROVCA2). Also called: BRCA2 Hereditary Breast and Ovarian Cancer. Identifiers: Orphanet 145, MedGen C2675520, MONDO:0012933, OMIM 612555. Disease mechanism: loss of function.

Allele frequency attached by ClinVar (database versions not stated): gnomAD exomes below 0.00001; ExAC 0.00001.
gnomAD v4.1: 1 of 1,600,908 alleles (0.000062%); highest among the groups gnomAD compares: Non-Finnish European, 0.000085%; no homozygotes.

Submissions (3):

Evidence-based Network for the Interpretation of Germline Mutant Alleles (ENIGMA)
Classification: Likely benign for Breast-ovarian cancer, familial, susceptibility to, 2. Last evaluated: 2017-06-29. Review status: reviewed by expert panel. Criteria: ENIGMA BRCA1/2 Classification Criteria (2017-06-29). Collection method: curation. Allele origin: germline.
Comment: Synonymous substitution variant, with low bioinformatic likelihood to result in a splicing aberration (Splicing prior probability 0.02).

Ambry Genetics
Classification: Likely benign for Hereditary cancer-predisposing syndrome. Last evaluated: 2024-11-17. Review status: criteria provided, single submitter. Criteria: Ambry Variant Classification Scheme 2023. Collection method: clinical testing. Allele origin: germline. Not counted in ClinVar's aggregate classification.

Labcorp Genetics (formerly Invitae), Labcorp
Classification: Likely benign for Hereditary breast ovarian cancer syndrome. Last evaluated: 2021-12-06. Review status: criteria provided, single submitter. Criteria: Invitae Variant Classification Sherloc (09022015). Collection method: clinical testing. Allele origin: germline. Not counted in ClinVar's aggregate classification.